The following is an entry in ClinVar:

ClinVar aggregate classification (germline): Likely pathogenic (1 of 4 stars; one submission).

Conditions:
Cardiovascular phenotype. Identifiers: MedGen CN230736.

Submission:

Molecular Diagnostic Laboratory for Inherited Cardiovascular Disease, Montreal Heart Institute
Classification: Likely pathogenic for Cardiovascular phenotype. Last evaluated: 2025-03-18. Review status: criteria provided, single submitter. Criteria: ACMG Guidelines, 2015. Collection method: clinical testing. Allele origin: germline. Affected: yes.
Comment: PVS1, PM2

NM_001458.5(FLNC):c.6931G>T (p.Glu2311Ter)

Genes: FLNC (filamin C; plus strand), FLNC-AS1 (FLNC antisense RNA 1; minus strand). Cytogenetic location: 7q32.1.
Variant type: single nucleotide variant.
Coding change: c.6931G>T on transcript NM_001458.5 (MANE Select); coding-DNA position 6931, G replaced by T.
Protein change: p.Glu2311Ter; replaces glutamic acid 2311 with a stop codon.
Molecular consequence: nonsense.
Genome position (GRCh38, 1-based): chr7:128,854,616, G>T. VCF-style: chr7-128854616-G-T. GRCh37 (hg19) VCF-style: chr7-128494670-G-T.
Other names: c.6832G>T, p.Glu2278Ter (NM_001127487.2); short protein forms E2278*, E2311*.
Identifiers: ClinVar variation 3895446 (VCV003895446.1).